The following is an entry in ClinVar:

NM_001264.5(CDSN):c.164_167dup (p.Thr57fs)

Genes: CDSN (corneodesmosin; minus strand), PSORS1C1 (psoriasis susceptibility 1 candidate 1; plus strand). Cytogenetic location: 6p21.33.
Variant type: Duplication.
Coding change: c.164_167dup on transcript NM_001264.5 (MANE Select); coding-DNA positions 164 to 167, 4 bases duplicated (GCCT; older notation c.164_167dupGCCT).
Protein change: p.Thr57fs; shifts the reading frame from threonine 57.
Molecular consequence: frameshift variant. On other transcripts: intron variant (1).
Genome position (GRCh38, 1-based): chr6:31,117,448-31,117,451, AGGC duplicated on the plus strand (GCCT on the coding strand, the reverse complement: CDSN is on the minus strand); duplicating any 4 consecutive bases within chr6:31,117,448-31,117,454 gives the same sequence; the c. name uses the placement nearest the transcript's 3' end. VCF-style (leftmost placement, unchanged base first): chr6-31117447-G-GAGGC. GRCh37 (hg19) VCF-style: chr6-31085224-G-GAGGC.
Other names: c.-229+2560_-229+2563dup (NM_014068.3); short protein forms T57fs.
Identifiers: ClinVar variation 157564 (VCV000157564.5), dbSNP rs606231274, ClinGen allele CA170972.

ClinVar aggregate classification (germline): Uncertain significance. Review status: criteria provided, single submitter (1 of 4 stars). 2 submissions from 2 submitters: Uncertain significance (1). 1 of the submissions does not count toward it. Last evaluated 2025-12-16.

Conditions:
Peeling skin syndrome 1 (PSS1). Also called: Peeling skin syndrome type B; KERATOLYSIS EXFOLIATIVA CONGENITA; SKIN PEELING, FAMILIAL CONTINUOUS GENERALIZED. Identifiers: Orphanet 263543, Orphanet 263553, MedGen C5679693, MONDO:0024548, OMIM 270300.

Submissions (2):

Labcorp Genetics (formerly Invitae), Labcorp
Classification: Uncertain significance. Last evaluated: 2025-12-16. Review status: criteria provided, single submitter. Criteria: Invitae Variant Classification Sherloc (09022015). Collection method: clinical testing. Allele origin: germline.
Comment: This sequence change creates a premature translational stop signal (p.Thr57Profs*6) in the CDSN gene. While this is not anticipated to result in nonsense mediated decay, it is expected to disrupt the last 473 amino acid(s) of the CDSN protein. This variant is present in population databases (rs606231274, gnomAD 0.06%). This premature translational stop signal has been observed in individuals with autosomal recessive peeling skin syndrome (PMID: 22146835, 31663161). ClinVar contains an entry for this variant (Variation ID: 157564). In summary, the available evidence is currently insufficient to determine the role of this variant in disease. Therefore, it has been classified as a Variant of Uncertain Significance.

OMIM
Classification: Pathogenic for PEELING SKIN SYNDROME 1. Last evaluated: 2012-04-01. Review status: no assertion criteria provided. Collection method: literature only. Allele origin: germline. Not counted in ClinVar's aggregate classification.

Literature cited by the submitters: PubMed 22146835 (cited by Labcorp Genetics (formerly Invitae), Labcorp and OMIM); PubMed 31663161 (cited by Labcorp Genetics (formerly Invitae), Labcorp).